The following is an entry in ClinVar:

ClinVar aggregate classification (germline): Uncertain significance. Review status: criteria provided, single submitter (1 of 4 stars). 2 submissions from 2 submitters: Uncertain significance (1). 1 of the submissions does not count toward it. Last evaluated 2022-10-24.

Conditions:
Optic atrophy. Identifiers: MedGen C0029124, MONDO:0003608, HP:0000648.

Allele frequency attached by ClinVar (database versions not stated): gnomAD 0.00001; TOPMed 0.00001; gnomAD exomes 0.00003; ExAC 0.00004; 1000 Genomes Project 30x 0.00016; 1000 Genomes Project 0.00020.
gnomAD v4.1: 45 of 1,610,952 alleles (0.0028%); highest among the groups gnomAD compares: Middle Eastern, 0.033%; no homozygotes.

Submissions (2):

Labcorp Genetics (formerly Invitae), Labcorp
Classification: Uncertain significance. Last evaluated: 2022-10-24. Review status: criteria provided, single submitter. Criteria: Invitae Variant Classification Sherloc (09022015). Collection method: clinical testing. Allele origin: germline.
Comment: This sequence change replaces tyrosine, which is neutral and polar, with cysteine, which is neutral and slightly polar, at codon 66 of the NBAS protein (p.Tyr66Cys). This variant is present in population databases (rs573592083, gnomAD 0.04%). This variant has not been reported in the literature in individuals affected with NBAS-related conditions. Advanced modeling of protein sequence and biophysical properties (such as structural, functional, and spatial information, amino acid conservation, physicochemical variation, residue mobility, and thermodynamic stability) performed at Invitae indicates that this missense variant is not expected to disrupt NBAS protein function. In summary, the available evidence is currently insufficient to determine the role of this variant in disease. Therefore, it has been classified as a Variant of Uncertain Significance.

Institute of Human Genetics, Univ. Regensburg, Univ. Regensburg
Classification: Uncertain significance for Optic atrophy. Last evaluated: 2020-01-01. Review status: no assertion criteria provided. Criteria: ACMG Guidelines, 2015. Collection method: clinical testing. Allele origin: germline. Affected: yes. Not counted in ClinVar's aggregate classification.

NM_015909.4(NBAS):c.197A>G (p.Tyr66Cys)

Gene: NBAS (NBAS subunit of NRZ tethering complex; minus strand). Cytogenetic location: 2p24.3.
Variant type: single nucleotide variant.
Coding change: c.197A>G on transcript NM_015909.4 (MANE Select); coding-DNA position 197, A replaced by G.
Protein change: p.Tyr66Cys; replaces tyrosine 66 with cysteine.
Molecular consequence: missense variant. On other transcripts: non-coding transcript variant (1).
Genome position (GRCh38, 1-based): chr2:15,556,795, T>C on the plus strand (A>G on the coding strand, the complement: NBAS is on the minus strand). VCF-style: chr2-15556795-T-C. GRCh37 (hg19) VCF-style: chr2-15696919-T-C.
Other names: short protein forms Y66C.
Identifiers: ClinVar variation 2185193 (VCV002185193.2), dbSNP rs573592083, ClinGen allele CA1537181.